The following is an entry in ClinVar:

NC_000017.11:g.(?_31336313)_(31340665_?)del

Gene: NF1 (neurofibromin 1; plus strand). Cytogenetic location: 17q11.2.
Variant type: Deletion.
Identifiers: ClinVar variation 830440 (VCV000830440.1).

ClinVar aggregate classification (germline): Likely pathogenic (1 of 4 stars; one submission).

Conditions:
Neurofibromatosis, type 1 (NF1). Also called: Neurofibromatosis, type I; Peripheral type neurofibromatosis; VON RECKLINGHAUSEN DISEASE; NEUROFIBROMATOSIS, TYPE I, SOMATIC. Identifiers: Orphanet 636, MedGen C0027831, MONDO:0018975, OMIM 162200. Disease mechanism: loss of function.

Submission:

Labcorp Genetics (formerly Invitae), Labcorp
Classification: Likely pathogenic for Neurofibromatosis, type 1. Last evaluated: 2019-06-03. Review status: criteria provided, single submitter. Criteria: Invitae Variant Classification Sherloc (09022015). Collection method: clinical testing. Allele origin: germline.
Comment: This variant is an in-frame deletion of the genomic region encompassing exons 40-46 of the NF1 gene. It preserves the integrity of the reading frame. This variant has not been reported in the literature in individuals with NF1-related conditions. This variant disrupts the p.Lys2252 amino acid residue in NF1. Other variant(s) that disrupt this residue have been determined to be pathogenic (PMID: 25325900, Invitae). This suggests that this residue is clinically significant, and that variants that disrupt this residue are likely to be disease-causing. In summary, the currently available evidence indicates that the variant is pathogenic, but additional data are needed to prove that conclusively. Therefore, this variant has been classified as Likely Pathogenic.

Literature cited by the submitters: PubMed 25325900.